The following is an entry in ClinVar:

NM_031844.3(HNRNPU):c.499G>A (p.Ala167Thr)

Gene: HNRNPU (heterogeneous nuclear ribonucleoprotein U; minus strand). Cytogenetic location: 1q44.
Variant type: single nucleotide variant.
Coding change: c.499G>A on transcript NM_031844.3 (MANE Select); coding-DNA position 499, G replaced by A.
Protein change: p.Ala167Thr; replaces alanine 167 with threonine.
Molecular consequence: missense variant.
Genome position (GRCh38, 1-based): chr1:244,863,809, C>T on the plus strand (G>A on the coding strand, the complement: HNRNPU is on the minus strand). VCF-style: chr1-244863809-C-T. GRCh37 (hg19) VCF-style: chr1-245027111-C-T.
Other names: c.499G>A, p.Ala167Thr (NM_004501.3); short protein forms A167T.
Identifiers: ClinVar variation 4709702 (VCV004709702.1).

ClinVar aggregate classification (germline): Uncertain significance (1 of 4 stars; one submission).

Conditions:
Developmental and epileptic encephalopathy, 54. Also called: HNRNPU-Related Neurodevelopmental Disorder; Epileptic encephalopathy, early infantile, 54. Identifiers: MedGen C4479319, MONDO:0033363, OMIM 617391.

Submission:

Labcorp Genetics (formerly Invitae), Labcorp
Classification: Uncertain significance for Developmental and epileptic encephalopathy, 54. Last evaluated: 2025-12-27. Review status: criteria provided, single submitter. Criteria: Invitae Variant Classification Sherloc (09022015). Collection method: clinical testing. Allele origin: germline.
Comment: This sequence change replaces alanine, which is neutral and non-polar, with threonine, which is neutral and polar, at codon 167 of the HNRNPU protein (p.Ala167Thr). This variant is not present in population databases (gnomAD no frequency). This variant has not been reported in the literature in individuals affected with HNRNPU-related conditions. Invitae Evidence Modeling of protein sequence and biophysical properties (such as structural, functional, and spatial information, amino acid conservation, physicochemical variation, residue mobility, and thermodynamic stability) indicates that this missense variant is not expected to disrupt HNRNPU protein function with a negative predictive value of 95%. In summary, the available evidence is currently insufficient to determine the role of this variant in disease. Therefore, it has been classified as a Variant of Uncertain Significance.